The following is an entry in ClinVar:

NM_005477.3(HCN4):c.2309C>A (p.Thr770Lys)

Gene: HCN4 (hyperpolarization activated cyclic nucleotide gated potassium channel 4; minus strand). Cytogenetic location: 15q24.1.
Variant type: single nucleotide variant.
Coding change: c.2309C>A on transcript NM_005477.3 (MANE Select); coding-DNA position 2309, C replaced by A.
Protein change: p.Thr770Lys; replaces threonine 770 with lysine.
Molecular consequence: missense variant.
Genome position (GRCh38, 1-based): chr15:73,323,784, G>T on the plus strand (C>A on the coding strand, the complement: HCN4 is on the minus strand). VCF-style: chr15-73323784-G-T. GRCh37 (hg19) VCF-style: chr15-73616125-G-T.
Other names: short protein forms T770K.
Identifiers: ClinVar variation 1694760 (VCV001694760.31), dbSNP rs763021264, ClinGen allele CA393089145.
Genomic context (GRCh38, chr15:73,323,784, plus strand): 5'-GAAGTGGTGGCAGCGGCAGCCTGCAGTGGTGCCTGGATCAGCGGGGTCCAGATGACGGGC[G>T]TGGGGGTTGGGGTGGCAGAGGCAGCAGCCTGGACGCGGTGCGCGCAGTGGGCCATCTCCC-3'
Protein context (NP_005468.1, residues 760-780): QAAASATPTP[Thr770Lys]PVIWTPLIQA

ClinVar aggregate classification (germline): Uncertain significance (1 of 4 stars; one submission).

gnomAD v4.1: 3 of 1,607,886 alleles (0.00019%); highest among the groups gnomAD compares: African/African-American, 0.0013%; no homozygotes.

Submission:

CeGaT Center for Human Genetics Tuebingen
Classification: Uncertain significance. Last evaluated: 2022-05-01. Review status: criteria provided, single submitter. Criteria: CeGaT Center For Human Genetics Tuebingen Variant Classification Criteria Version 2. Collection method: clinical testing. Allele origin: germline. Affected: yes. Observed: 1 variant allele.
Comment: HCN4: PM2